The following is an entry in ClinVar:

ClinVar aggregate classification (germline): Uncertain significance (1 of 4 stars; one submission).

Conditions:
Isolated thyroid-stimulating hormone deficiency. Also called: Thyroid-stimulating hormone, deficiency of; Hypothryoidism, congenital, nongoitrous 4; PITUITARY CRETINISM; THYROID-STIMULATING HORMONE DEFICIENCY; THYROTROPIN DEFICIENCY, ISOLATED; TSH DEFICIENCY. Identifiers: Orphanet 90674, MedGen C0271789, MONDO:0010139, OMIM 275100.

Allele frequency attached by ClinVar (database versions not stated): gnomAD exomes below 0.00001; TOPMed below 0.00001.
gnomAD v4.1: 2 of 1,613,710 alleles (0.00012%); highest among the groups gnomAD compares: Non-Finnish European, 0.00017%; no homozygotes.

Submission:

Institute of Human Genetics, University of Leipzig Medical Center
Classification: Uncertain significance for Isolated thyroid-stimulating hormone deficiency. Last evaluated: 2020-01-14. Review status: criteria provided, single submitter. Criteria: ACMG Guidelines, 2015. Collection method: clinical testing. Allele origin: germline. Affected: yes. Observed: 1 variant allele.
Comment: This variant was identified as homozygous

NM_000549.5(TSHB):c.374G>A (p.Cys125Tyr)

Gene: TSHB (thyroid stimulating hormone subunit beta; plus strand). Cytogenetic location: 1p13.2.
Variant type: single nucleotide variant.
Coding change: c.374G>A on transcript NM_000549.5 (MANE Select); coding-DNA position 374, G replaced by A.
Protein change: p.Cys125Tyr; replaces cysteine 125 with tyrosine.
Molecular consequence: missense variant.
Genome position (GRCh38, 1-based): chr1:115,034,184, G>A. VCF-style: chr1-115034184-G-A. GRCh37 (hg19) VCF-style: chr1-115576805-G-A.
Other names: c.239G>A, p.Cys80Tyr (NM_001277991.1); short protein forms C125Y, C80Y.
Identifiers: ClinVar variation 976259 (VCV000976259.1), dbSNP rs1430091875, ClinGen allele CA341756816.
Genomic context (GRCh38, chr1:115,034,184, plus strand): 5'-GTGGCAAGTGCAATACTGACTATAGTGACTGCATACATGAAGCCATCAAGACAAACTACT[G>A]TACCAAACCTCAGAAGTCTTATCTGGTAGGATTTTCTGTCTAATAGTGATATAATTTGCA-3'
Protein context (NP_000540.2, residues 115-135): CIHEAIKTNY[Cys125Tyr]TKPQKSYLVG